The following is an entry in ClinVar:

NM_000179.3(MSH6):c.849G>A (p.Gly283=)

Gene: MSH6 (mutS homolog 6; plus strand). Cytogenetic location: 2p16.3.
Variant type: single nucleotide variant.
Coding change: c.849G>A on transcript NM_000179.3 (MANE Select); coding-DNA position 849, G replaced by A.
Protein change: p.Gly283=; no amino-acid change (glycine 283 retained).
Molecular consequence: synonymous variant. On other transcripts: 5 prime UTR variant (2).
Genome position (GRCh38, 1-based): chr2:47,798,832, G>A. VCF-style: chr2-47798832-G-A. GRCh37 (hg19) VCF-style: chr2-48025971-G-A.
Other names: c.459G>A, p.Gly153= (NM_001281492.2); c.-58G>A (NM_001281493.2, NM_001281494.2).
Identifiers: ClinVar variation 378966 (VCV000378966.27), dbSNP rs1057520439, ClinGen allele CA16604299.

ClinVar aggregate classification (germline): Benign/Likely benign. Review status: criteria provided, multiple submitters, no conflicts (2 of 4 stars). 8 submissions from 8 submitters: Benign (1); Likely benign (6). 1 of the submissions does not count toward it. Last evaluated 2025-08-01.

Conditions:
Hereditary cancer-predisposing syndrome. Also called: Tumor predisposition; Hereditary Cancer Syndrome; Hereditary neoplastic syndrome; Neoplastic Syndromes, Hereditary. Identifiers: Orphanet 140162, MedGen C0027672, MeSH D009386, MONDO:0015356.
MSH6-related disorder. Also called: MSH6-related condition; MSH6-Related disorders.
Lynch syndrome 5 (LYNCH5). Also called: Hereditary non-polyposis colorectal cancer, type 5; Colorectal cancer, hereditary nonpolyposis, type 5. Identifiers: Orphanet 144, MedGen C1833477, MONDO:0013710, OMIM 614350. Disease mechanism: loss of function.
Hereditary nonpolyposis colorectal neoplasms. Identifiers: MedGen C0009405, MeSH D003123.
Lynch syndrome. Identifiers: Orphanet 144, MedGen C4552100, MONDO:0005835. Disease mechanism: loss of function.

Allele frequency attached by ClinVar (database versions not stated): gnomAD 0.00001; TOPMed 0.00001.
gnomAD v4.1: 1 of 1,614,058 alleles (0.000062%); highest among the groups gnomAD compares: Admixed American, 0.0017%; no homozygotes.

Submissions (8):

CeGaT Center for Human Genetics Tuebingen
Classification: Likely benign. Last evaluated: 2025-08-01. Review status: criteria provided, single submitter. Criteria: CeGaT Center For Human Genetics Tuebingen Variant Classification Criteria Version 2. Collection method: clinical testing. Allele origin: germline. Affected: yes. Observed: 1 variant allele.
Comment: MSH6: BP4, BP7

Myriad Genetics, Inc.
Classification: Benign for Lynch syndrome 5. Last evaluated: 2024-12-20. Review status: criteria provided, single submitter. Criteria: Myriad Autosomal Dominant, Autosomal Recessive and X-Linked Classification Criteria (2023). Collection method: clinical testing. Allele origin: unknown.
Comment: This variant is considered benign. This variant is a silent/synonymous amino acid change and it is not expected to impact splicing.

Labcorp Genetics (formerly Invitae), Labcorp
Classification: Likely benign for Hereditary nonpolyposis colorectal neoplasms. Last evaluated: 2024-07-28. Review status: criteria provided, single submitter. Criteria: Invitae Variant Classification Sherloc (09022015). Collection method: clinical testing. Allele origin: germline.

All of Us Research Program, National Institutes of Health
Classification: Likely benign for Lynch syndrome. Last evaluated: 2024-05-30. Review status: criteria provided, single submitter. Criteria: ACMG Guidelines, 2015. Collection method: clinical testing. Allele origin: germline. Inheritance: Autosomal dominant inheritance. Observed: 1 variant allele, 1 heterozygote.
Comment: This study involves interpretation of variants in research participants for the purpose of population health screening. Participant phenotype was not available at the time of variant classification. Additional details can be found in publication PMID: 35346344, PMCID: PMC8962531

Quest Diagnostics Nichols Institute San Juan Capistrano
Classification: Likely benign. Last evaluated: 2019-11-27. Review status: criteria provided, single submitter. Criteria: Quest Diagnostics criteria. Collection method: clinical testing. Allele origin: unknown.

Ambry Genetics
Classification: Likely benign for Hereditary cancer-predisposing syndrome. Last evaluated: 2016-11-07. Review status: criteria provided, single submitter. Criteria: Ambry Variant Classification Scheme 2023. Collection method: clinical testing. Allele origin: germline.

GeneDx
Classification: Likely benign. Last evaluated: 2015-11-12. Review status: criteria provided, single submitter. Criteria: GeneDx Variant Classification (06012015). Collection method: clinical testing. Allele origin: germline. Affected: yes.
Comment: This variant is considered likely benign or benign based on one or more of the following criteria: it is a conservative change, it occurs at a poorly conserved position in the protein, it is predicted to be benign by multiple in silico algorithms, and/or has population frequency not consistent with disease.

PreventionGenetics, part of Exact Sciences
Classification: Likely benign for MSH6-related condition. Last evaluated: 2019-09-19. Review status: no assertion criteria provided. Collection method: clinical testing. Allele origin: germline. Not counted in ClinVar's aggregate classification.
Comment: This variant is classified as likely benign based on ACMG/AMP sequence variant interpretation guidelines (Richards et al. 2015 PMID: 25741868, with internal and published modifications).